The following is an entry in ClinVar:

NM_001197104.2(KMT2A):c.5949G>C (p.Leu1983Phe)

Gene: KMT2A (lysine methyltransferase 2A; plus strand). Cytogenetic location: 11q23.3.
Variant type: single nucleotide variant.
Coding change: c.5949G>C on transcript NM_001197104.2 (MANE Select); coding-DNA position 5949, G replaced by C.
Protein change: p.Leu1983Phe; replaces leucine 1983 with phenylalanine.
Molecular consequence: missense variant.
Genome position (GRCh38, 1-based): chr11:118,498,516, G>C. VCF-style: chr11-118498516-G-C. GRCh37 (hg19) VCF-style: chr11-118369231-G-C.
Other names: c.6039G>C, p.Leu2013Phe (NM_001412597.1); c.5940G>C, p.Leu1980Phe (NM_005933.4); short protein forms L1980F, L2013F, L1983F.
Identifiers: ClinVar variation 2836710 (VCV002836710.3), dbSNP rs2134368227, ClinGen allele CA382799000.
Genomic context (GRCh38, chr11:118,498,516, plus strand): 5'-AGCCAAGAACTGTGTCTTTCTGGATGATAAAAAAGTATATTGCCAACGACATCGGGATTT[G>C]ATCAAAGGCGAAGTGAGAGAGCTTTAGTTGCTTTAAAAAAAAAAAAAAAGACTTTTTTAG-3'
Protein context (NP_001184033.1, residues 1973-1993): KKVYCQRHRD[Leu1983Phe]IKGEVVPENG

ClinVar aggregate classification (germline): Uncertain significance (1 of 4 stars; one submission).

Submission:

Labcorp Genetics (formerly Invitae), Labcorp
Classification: Uncertain significance. Last evaluated: 2023-03-08. Review status: criteria provided, single submitter. Criteria: Invitae Variant Classification Sherloc (09022015). Collection method: clinical testing. Allele origin: germline.
Comment: This sequence change replaces leucine, which is neutral and non-polar, with phenylalanine, which is neutral and non-polar, at codon 1983 of the KMT2A protein (p.Leu1983Phe). This variant is not present in population databases (gnomAD no frequency). This variant has not been reported in the literature in individuals affected with KMT2A-related conditions. Advanced modeling of protein sequence and biophysical properties (such as structural, functional, and spatial information, amino acid conservation, physicochemical variation, residue mobility, and thermodynamic stability) has been performed at Invitae for this missense variant, however the output from this modeling did not meet the statistical confidence thresholds required to predict the impact of this variant on KMT2A protein function. In summary, the available evidence is currently insufficient to determine the role of this variant in disease. Therefore, it has been classified as a Variant of Uncertain Significance.